The following is an entry in ClinVar:

ClinVar aggregate classification (germline): Uncertain significance (1 of 4 stars; one submission).

Submission:

Dasa
Classification: Uncertain significance. Last evaluated: 2025-04-28. Review status: criteria provided, single submitter. Criteria: DASA Assertion Criteria. Collection method: clinical testing. Allele origin: germline.
Comment: NM_000742.4(CHRNA2):c.605G>A (p.Gly202Asp) is a missense variant that results in the substitution of glycine with aspartic acid. This variant is rare in population databases. Computational prediction algorithms are consistent with a deleterious effect. The currently available literature and clinical evidence are not sufficient to establish a definitive association between this variant and the reported condition. Therefore, this variant is classified as a variant of uncertain significance.

NM_000742.4(CHRNA2):c.605G>A (p.Gly202Asp)

Gene: CHRNA2 (cholinergic receptor nicotinic alpha 2 subunit; minus strand). Cytogenetic location: 8p21.2.
Variant type: single nucleotide variant.
Coding change: c.605G>A on transcript NM_000742.4 (MANE Select); coding-DNA position 605, G replaced by A.
Protein change: p.Gly202Asp; replaces glycine 202 with aspartic acid.
Molecular consequence: missense variant.
Genome position (GRCh38, 1-based): chr8:27,463,838, C>T on the plus strand (G>A on the coding strand, the complement: CHRNA2 is on the minus strand). VCF-style: chr8-27463838-C-T. GRCh37 (hg19) VCF-style: chr8-27321355-C-T.
Other names: c.560G>A, p.Gly187Asp (NM_001282455.2); c.128G>A, p.Gly43Asp (NM_001347705.2, NM_001347706.2); c.11G>A, p.Gly4Asp (NM_001347707.2, NM_001347708.2); short protein forms G187D, G202D, G43D, G4D.
Identifiers: ClinVar variation 5020965 (VCV005020965.1).